The following is an entry in ClinVar:

NM_000404.4(GLB1):c.681C>T (p.Phe227=)

Gene: GLB1 (galactosidase beta 1; minus strand). Cytogenetic location: 3p22.3.
Variant type: single nucleotide variant.
Coding change: c.681C>T on transcript NM_000404.4 (MANE Select); coding-DNA position 681, C replaced by T.
Protein change: p.Phe227=; no amino-acid change (phenylalanine 227 retained).
Molecular consequence: synonymous variant. On other transcripts: intron variant (1).
Genome position (GRCh38, 1-based): chr3:33,058,141, G>A on the plus strand (C>T on the coding strand, the complement: GLB1 is on the minus strand). VCF-style: chr3-33058141-G-A. GRCh37 (hg19) VCF-style: chr3-33099633-G-A.
Other names: c.681C>T (NM_000404.3); c.591C>T, p.Phe197= (NM_001079811.3); c.825C>T, p.Phe275= (NM_001317040.2); c.341-4592C>T (NM_001135602.3).
Identifiers: ClinVar variation 1159142 (VCV001159142.10), dbSNP rs780608544, ClinGen allele CA2299633.

ClinVar aggregate classification (germline): Likely benign. Review status: criteria provided, multiple submitters, no conflicts (2 of 4 stars). 3 submissions from 3 submitters: Likely benign (2). 1 of the submissions does not count toward it. Last evaluated 2025-07-29.

Conditions:
GLB1-related disorder. Also called: GLB1-related disorders. Identifiers: MedGen CN377807.
GM1 gangliosidosis. Identifiers: Orphanet 354, MedGen C0085131, MONDO:0018149.
Mucopolysaccharidosis, MPS-IV-B (MPS4B). Also called: Mucopolysaccharidosis type 4B; MORQUIO SYNDROME B; Mucopolysaccharidosis Type IVB; Mucopolysaccharidosis Type IVB (Morquio B Disease); Mucopolysaccharidosis type IVB (Morquio); MPS IVB. Identifiers: Orphanet 309310, Orphanet 582, MedGen C0086652, MONDO:0009660, OMIM 253010.

Allele frequency attached by ClinVar (database versions not stated): ExAC 0.00001; gnomAD 0.00001; gnomAD exomes 0.00001; TOPMed 0.00002.
gnomAD v4.1: 24 of 1,613,886 alleles (0.0015%); highest among the groups gnomAD compares: Non-Finnish European, 0.0019%; no homozygotes.

Submissions (3):

Labcorp Genetics (formerly Invitae), Labcorp
Classification: Likely benign for Mucopolysaccharidosis, MPS-IV-B; GM1 gangliosidosis. Last evaluated: 2025-07-29. Review status: criteria provided, single submitter. Criteria: Invitae Variant Classification Sherloc (09022015). Collection method: clinical testing. Allele origin: germline.

Blueprint Genetics
Classification: Likely benign. Last evaluated: 2024-04-16. Review status: criteria provided, single submitter. Criteria: ACMG Guidelines, 2015. Collection method: clinical testing. Allele origin: germline.

PreventionGenetics, part of Exact Sciences
Classification: Likely benign for GLB1-related condition. Last evaluated: 2019-05-14. Review status: no assertion criteria provided. Collection method: clinical testing. Allele origin: germline. Not counted in ClinVar's aggregate classification.
Comment: This variant is classified as likely benign based on ACMG/AMP sequence variant interpretation guidelines (Richards et al. 2015 PMID: 25741868, with internal and published modifications).